The following is an entry in ClinVar:

ClinVar aggregate classification (germline): Pathogenic. Review status: reviewed by expert panel (3 of 4 stars). 5 submissions from 5 submitters: Pathogenic (1). 4 of the submissions do not count toward it. Last evaluated 2024-10-11.

Conditions:
Thrombophilia, X-linked, due to factor 9 defect. Identifiers: MedGen C2749016, MONDO:0010432, OMIM 300807.
Hereditary factor IX deficiency disease (HEMB). Also called: F9 DEFICIENCY; FACTOR IX DEFICIENCY; PLASMA THROMBOPLASTIN COMPONENT DEFICIENCY; Hemophilia B; Christmas Disease. Identifiers: Orphanet 98879, MedGen C0008533, MeSH D002836, MONDO:0010604, OMIM 306900.
Hereditary factor VIII deficiency disease (HEMA). Also called: AUTOSOMAL HEMOPHILIA A; HEMOPHILIA, CLASSIC; Hemophilia A, congenital; HEM A; Factor 8 deficiency, congenital; Hemophilia A. Identifiers: Orphanet 98878, MedGen C0019069, MONDO:0010602, OMIM 306700.

Allele frequency attached by ClinVar (database versions not stated): TOPMed 0.00001.

Submissions (5):

ClinGen Coagulation Factor Deficiency Variant Curation Expert Panel, Clingen
Classification: Pathogenic for Hereditary factor IX deficiency disease. Last evaluated: 2024-10-11. Review status: reviewed by expert panel. Criteria: ClinGen CoagFactor ACMG Specifications F9 V1.0.0. Collection method: curation. Allele origin: germline. Inheritance: X-linked inheritance.
Comment: The c.520+13A>G in F9 is an intronic variant which located in intron 5. This variant has been reported in 38 probands with abnormal factor IX activity levels meeting the phenotypic criteria for PS4_Very Strong (threshold >=8 probands); PMID: 14675097, PMID: 32155688, PMID: 27213901, PMID: 15921378, PMID: 10090477 and PMID: 2198809. The computational predictor Splice AI gives a delta score of 0.92 for donor gain (threshold >=0.5), evidence that correlates with impact to F9 function (PP3_supporting).This variant is absent from gnomAD v2.1.1 (PM2_Supporting). In summary, this variant meets the criteria to be classified as Pathogenic for hemophilia B based on the ACMG/AMP criteria applied, as specified by the ClinGen Coagulation Factor Deficiency VCEP for F9: PS4_Very Strong, PP3, PM2_Supporting (version 1.0.0, released 10/5/2023).

Natera, Inc.
Classification: Pathogenic for Hemophilia B. Last evaluated: 2025-05-21. Review status: criteria provided, single submitter. Criteria: Natera Variant Classification Schema (03/2026). Collection method: clinical testing. Allele origin: germline. Not counted in ClinVar's aggregate classification.
Comment: The c.520+13A>G variant in F9 is an intronic variant located outside the canonical splice sites. This variant is rare in the general population with a frequency below the threshold expected for the associated phenotype(s). This variant has been observed in affected individual(s) with monoallelic occurrence (heterozygous/hemizygous) (PMID: 2198809, 10090477, 11013449, 14675097, 32155688). Functional studies show that this variant may disrupt protein function (PMID: 21854538). Given the available evidence, this variant is classified as Pathogenic.

Labcorp Genetics (formerly Invitae), Labcorp
Classification: Pathogenic for Thrombophilia, X-linked, due to factor 9 defect; Hereditary factor IX deficiency disease. Last evaluated: 2021-10-09. Review status: criteria provided, single submitter. Criteria: Invitae Variant Classification Sherloc (09022015). Collection method: clinical testing. Allele origin: germline. Not counted in ClinVar's aggregate classification.
Comment: For these reasons, this variant has been classified as Pathogenic. Algorithms developed to predict the effect of sequence changes on RNA splicing suggest that this variant may create or strengthen a splice site. ClinVar contains an entry for this variant (Variation ID: 627180). This variant is also known as A17810G and IVS5+13A>G. This variant has been observed in individuals with mild hemophilia B (PMID: 2198809, 14675097). This variant is not present in population databases (ExAC no frequency). This sequence change falls in intron 5 of the F9 gene. It does not directly change the encoded amino acid sequence of the F9 protein.

NIHR Bioresource Rare Diseases, University of Cambridge
Classification: Uncertain significance for Hereditary factor VIII deficiency disease. Last evaluated: 2019-02-01. Review status: criteria provided, single submitter. Criteria: ACMG Guidelines, 2015. Collection method: research. Allele origin: unknown. Affected: yes. Observed: 2 hemizygotes. Study: ThromboGenomics. Not counted in ClinVar's aggregate classification.

ISTH-SSC Genomics in Thrombosis and Hemostasis, KU Leuven, Center for Molecular and Vascular Biology
Classification: Uncertain significance for Hereditary factor IX deficiency disease. Review status: no assertion criteria provided. Collection method: research. Allele origin: unknown. Affected: yes. Not counted in ClinVar's aggregate classification.
Comment: Submitted to GoldVariant by Dr Karyn Mégy from NIHR Bioresource - Cambridge University, UK

Literature cited by the submitters: PubMed 2198809 (cited by Natera, Inc. and Labcorp Genetics (formerly Invitae), Labcorp); PubMed 10090477 (cited by Natera, Inc.); PubMed 11013449 (cited by Natera, Inc.); PubMed 14675097 (cited by Natera, Inc. and Labcorp Genetics (formerly Invitae), Labcorp); PubMed 32155688 (cited by Natera, Inc.); PubMed 21854538 (cited by Natera, Inc.); PubMed 31064749 (cited by NIHR Bioresource Rare Diseases, University of Cambridge).

NM_000133.4(F9):c.520+13A>G

Gene: F9 (coagulation factor IX; plus strand). Cytogenetic location: Xq27.1.
Variant type: single nucleotide variant.
Coding change: c.520+13A>G on transcript NM_000133.4 (MANE Select); 13 bases into the intron after coding-DNA position 520, A replaced by G.
Molecular consequence: intron variant.
Genome position (GRCh38, 1-based): chrX:139,548,504, A>G. VCF-style: chrX-139548504-A-G. GRCh37 (hg19) VCF-style: chrX-138630663-A-G.
Other names: c.406+13A>G (NM_001313913.2).
Identifiers: ClinVar variation 627180 (VCV000627180.11), dbSNP rs1603265507, ClinGen allele CA915952347.